The following is an entry in ClinVar:

ClinVar aggregate classification (germline): Likely benign. Review status: criteria provided, single submitter (1 of 4 stars). 2 submissions from 2 submitters: Likely benign (1). 1 of the submissions does not count toward it. Last evaluated 2025-01-29.

Conditions:
COL6A3-related disorder. Also called: COL6A3-related disorders; COL6A3-related condition.
Bethlem myopathy 1A. Also called: MYOPATHY, BENIGN CONGENITAL, WITH CONTRACTURES; Bethlem Muscular Dystrophy; Bethlem myopathy 1. Identifiers: Orphanet 610, MedGen CN029274, MONDO:0024530, OMIM 158810.

gnomAD v4.1: 23 of 1,614,080 alleles (0.0014%); highest among the groups gnomAD compares: South Asian, 0.02%; no homozygotes.

Submissions (2):

Labcorp Genetics (formerly Invitae), Labcorp
Classification: Likely benign for Bethlem myopathy 1A. Last evaluated: 2025-01-29. Review status: criteria provided, single submitter. Criteria: Invitae Variant Classification Sherloc (09022015). Collection method: clinical testing. Allele origin: germline.

PreventionGenetics, part of Exact Sciences
Classification: Likely benign for COL6A3-related condition. Last evaluated: 2024-06-20. Review status: no assertion criteria provided. Collection method: clinical testing. Allele origin: germline. Not counted in ClinVar's aggregate classification.
Comment: This variant is classified as likely benign based on ACMG/AMP sequence variant interpretation guidelines (Richards et al. 2015 PMID: 25741868, with internal and published modifications).

NM_004369.4(COL6A3):c.1881C>T (p.Leu627=)

Gene: COL6A3 (collagen type VI alpha 3 chain; minus strand). Cytogenetic location: 2q37.3.
Variant type: single nucleotide variant.
Coding change: c.1881C>T on transcript NM_004369.4 (MANE Select); coding-DNA position 1881, C replaced by T.
Protein change: p.Leu627=; no amino-acid change (leucine 627 retained).
Molecular consequence: synonymous variant.
Genome position (GRCh38, 1-based): chr2:237,380,931, G>A on the plus strand (C>T on the coding strand, the complement: COL6A3 is on the minus strand). VCF-style: chr2-237380931-G-A. GRCh37 (hg19) VCF-style: chr2-238289574-G-A.
Other names: c.660C>T, p.Leu220= (NM_057164.5, NM_057166.5); c.1263C>T, p.Leu421= (NM_057165.5, NM_057167.4).
Identifiers: ClinVar variation 3352726 (VCV003352726.3).